The following is an entry in ClinVar:

NM_001330677.2(TBX15):c.403A>G (p.Ile135Val)

Gene: TBX15 (T-box transcription factor 15; minus strand). Cytogenetic location: 1p12.
Variant type: single nucleotide variant.
Coding change: c.403A>G on transcript NM_001330677.2 (MANE Select); coding-DNA position 403, A replaced by G.
Protein change: p.Ile135Val; replaces isoleucine 135 with valine.
Molecular consequence: missense variant.
Genome position (GRCh38, 1-based): chr1:118,931,635, T>C on the plus strand (A>G on the coding strand, the complement: TBX15 is on the minus strand). VCF-style: chr1-118931635-T-C. GRCh37 (hg19) VCF-style: chr1-119474258-T-C.
Other names: c.85A>G, p.Ile29Val (NM_152380.3); short protein forms I29V, I135V.
Identifiers: ClinVar variation 1368171 (VCV001368171.6), dbSNP rs1021172168, ClinGen allele CA30365225.

ClinVar aggregate classification (germline): Uncertain significance (1 of 4 stars; one submission).

Allele frequency attached by ClinVar (database versions not stated): gnomAD exomes below 0.00001; TOPMed 0.00002.
gnomAD v4.1: 1 of 1,614,092 alleles (0.000062%); highest among the groups gnomAD compares: African/African-American, 0.0013%; no homozygotes.

Submission:

Labcorp Genetics (formerly Invitae), Labcorp
Classification: Uncertain significance. Last evaluated: 2022-07-06. Review status: criteria provided, single submitter. Criteria: Invitae Variant Classification Sherloc (09022015). Collection method: clinical testing. Allele origin: germline.
Comment: In summary, the available evidence is currently insufficient to determine the role of this variant in disease. Therefore, it has been classified as a Variant of Uncertain Significance. Algorithms developed to predict the effect of missense changes on protein structure and function (SIFT, PolyPhen-2, Align-GVGD) all suggest that this variant is likely to be tolerated. This sequence change replaces isoleucine, which is neutral and non-polar, with valine, which is neutral and non-polar, at codon 29 of the TBX15 protein (p.Ile29Val). This variant is not present in population databases (gnomAD no frequency). This variant has not been reported in the literature in individuals affected with TBX15-related conditions. ClinVar contains an entry for this variant (Variation ID: 1368171).